The following is an entry in ClinVar:

ClinVar aggregate classification (germline): Uncertain significance (1 of 4 stars; one submission).

gnomAD v4.1: 7 of 1,613,834 alleles (0.00043%); highest among the groups gnomAD compares: Non-Finnish European, 0.00059%; no homozygotes.

Submission:

Labcorp Genetics (formerly Invitae), Labcorp
Classification: Uncertain significance. Last evaluated: 2025-08-29. Review status: criteria provided, single submitter. Criteria: Invitae Variant Classification Sherloc (09022015). Collection method: clinical testing. Allele origin: germline.
Comment: This sequence change replaces proline, which is neutral and non-polar, with leucine, which is neutral and non-polar, at codon 725 of the COL4A1 protein (p.Pro725Leu). This variant is not present in population databases (gnomAD no frequency). This missense change has been observed in individual(s) with clinical features of COL4A1-related conditions (PMID: 31719132). ClinVar contains an entry for this variant (Variation ID: 3709517). Invitae Evidence Modeling of protein sequence and biophysical properties (such as structural, functional, and spatial information, amino acid conservation, physicochemical variation, residue mobility, and thermodynamic stability) indicates that this missense variant is not expected to disrupt COL4A1 protein function with a negative predictive value of 95%. In summary, the available evidence is currently insufficient to determine the role of this variant in disease. Therefore, it has been classified as a Variant of Uncertain Significance.

Literature cited by the submitters: PubMed 31719132.

NM_001845.6(COL4A1):c.2174C>T (p.Pro725Leu)

Gene: COL4A1 (collagen type IV alpha 1 chain; minus strand). Cytogenetic location: 13q34.
Variant type: single nucleotide variant.
Coding change: c.2174C>T on transcript NM_001845.6 (MANE Select); coding-DNA position 2174, C replaced by T.
Protein change: p.Pro725Leu; replaces proline 725 with leucine.
Molecular consequence: missense variant.
Genome position (GRCh38, 1-based): chr13:110,181,311, G>A on the plus strand (C>T on the coding strand, the complement: COL4A1 is on the minus strand). VCF-style: chr13-110181311-G-A. GRCh37 (hg19) VCF-style: chr13-110833658-G-A.
Other names: short protein forms P725L.
Identifiers: ClinVar variation 3709517 (VCV003709517.2).